The following is an entry in ClinVar:

NM_001127222.2(CACNA1A):c.7240G>A (p.Asp2414Asn)

Gene: CACNA1A (calcium voltage-gated channel subunit alpha1 A; minus strand). Cytogenetic location: 19p13.13.
Variant type: single nucleotide variant.
Coding change: c.7240G>A on transcript NM_001127222.2 (MANE Select); coding-DNA position 7240, G replaced by A.
Protein change: p.Asp2414Asn; replaces aspartic acid 2414 with asparagine.
Molecular consequence: missense variant. On other transcripts: 3 prime UTR variant (3).
Genome position (GRCh38, 1-based): chr19:13,207,594, C>T on the plus strand (G>A on the coding strand, the complement: CACNA1A is on the minus strand). VCF-style: chr19-13207594-C-T. GRCh37 (hg19) VCF-style: chr19-13318408-C-T.
Other names: c.*452G>A (NM_000068.4, NM_001127221.2, NM_001174080.2); c.7258G>A, p.Asp2420Asn (NM_023035.3); c.7240G>A (NM_001127222.1); short protein forms D2420N, D2414N.
Identifiers: ClinVar variation 585584 (VCV000585584.2), dbSNP rs1568416040, ClinGen allele CA404327643.
Genomic context (GRCh38, chr19:13,207,594, plus strand): 5'-AGGCCCCGGCCATGGCCTCCTCGCCGCCCCCGCTGCCCGGGCCATCGGCCTCGTCGTAGT[C>T]GGAGCCCCGGTAGTAGCCATGGTGCCGGGGACCCGGGGGCCCCTCGGACACGTGCGGGCC-3'
Protein context (NP_001120694.1, residues 2404-2424): PRHHGYYRGS[Asp2414Asn]YDEADGPGSG

ClinVar aggregate classification (germline): Uncertain significance. Review status: criteria provided, multiple submitters, no conflicts (2 of 4 stars). 2 submissions from 2 submitters: Uncertain significance (2). Last evaluated 2022-08-29.

Conditions:
CACNA1A-related disorder. Also called: CACNA1A-related condition.

gnomAD v4.1: 1 of 1,481,742 alleles (0.000067%); highest among the groups gnomAD compares: Non-Finnish European, 0.00009%; no homozygotes.

Submissions (2):

PreventionGenetics, part of Exact Sciences
Classification: Uncertain significance for CACNA1A-related condition. Last evaluated: 2022-08-29. Review status: criteria provided, single submitter. Criteria: ACMG Guidelines, 2015. Collection method: clinical testing. Allele origin: germline.
Comment: The CACNA1A c.7240G>A variant is predicted to result in the amino acid substitution p.Asp2414Asn. To our knowledge, this variant has not been reported in the literature or in a large population database, indicating this variant is rare. At this time, the clinical significance of this variant is uncertain due to the absence of conclusive functional and genetic evidence.

Athena Diagnostics
Classification: Uncertain significance. Last evaluated: 2018-05-15. Review status: criteria provided, single submitter. Criteria: Athena Diagnostics Criteria. Collection method: clinical testing. Allele origin: germline.